The following is an entry in ClinVar:

ClinVar aggregate classification (germline): Likely pathogenic (1 of 4 stars; one submission).

Submission:

Institute of Human Genetics, FAU Erlangen, Friedrich-Alexander-Universität Erlangen-Nürnberg
Classification: Likely pathogenic. Last evaluated: 2023-09-07. Review status: criteria provided, single submitter. Criteria: Hauer et al. (Genet Med. 2018). Collection method: clinical testing. Allele origin: germline. Inheritance: Unknown mechanism. Affected: yes. Observed: 1 variant allele.
Comment: This variant has been identified by standard clinical testing. Variant is located in kinase domane, where different variants have been described (PMID: 37126546) Selected ACMG criteria: Likely pathogenic (V):PP3;PP2;PM2;PM1

NM_001395002.1(MAP4K4):c.583A>G (p.Met195Val)

Gene: MAP4K4 (mitogen-activated protein kinase kinase kinase kinase 4; plus strand). Cytogenetic location: 2q11.2.
Variant type: single nucleotide variant.
Coding change: c.583A>G on transcript NM_001395002.1 (MANE Select); coding-DNA position 583, A replaced by G.
Protein change: p.Met195Val; replaces methionine 195 with valine.
Molecular consequence: missense variant. On other transcripts: non-coding transcript variant (4).
Genome position (GRCh38, 1-based): chr2:101,831,795, A>G. VCF-style: chr2-101831795-A-G. GRCh37 (hg19) VCF-style: chr2-102448257-A-G.
Other names: c.583A>G, p.Met195Val (NM_001242559.2, NM_001242560.2, NM_001384476.1 and 29 more transcripts); c.-161A>G (NM_001384489.1, NM_001384505.1, NM_001384544.1 and 1 more transcripts); c.556A>G, p.Met186Val (NM_001384549.1, NM_001384550.1, NM_001384551.1 and 16 more transcripts); short protein forms M186V, M195V.
Identifiers: ClinVar variation 2578366 (VCV002578366.1), dbSNP rs2466904144, ClinGen allele CA347979142.
Genomic context (GRCh38, chr2:101,831,795, plus strand): 5'-AGTGCTCAGCTGGACAGGACTGTGGGGCGGAGAAATACGTTCATAGGCACTCCCTACTGG[A>G]TGGCTCCTGAGGTCATCGCCTGTGATGAGAACCCAGATGCCACCTATGATTACAGAGTAA-3'
Protein context (NP_001381931.1, residues 185-205): RNTFIGTPYW[Met195Val]APEVIACDEN